The following is an entry in ClinVar:

ClinVar aggregate classification (germline): Uncertain significance (1 of 4 stars; one submission).

Allele frequency attached by ClinVar (database versions not stated): gnomAD 0.00001.
gnomAD v4.1: 3 of 1,608,972 alleles (0.00019%); highest among the groups gnomAD compares: Admixed American, 0.0017%; no homozygotes.

Submission:

Ambry Genetics
Classification: Uncertain significance. Last evaluated: 2023-06-09. Review status: criteria provided, single submitter. Criteria: Ambry Variant Classification Scheme 2023. Collection method: clinical testing. Allele origin: germline.
Comment: The p.M477L variant (also known as c.1429A>T), located in coding exon 9 of the POLQ gene, results from an A to T substitution at nucleotide position 1429. The methionine at codon 477 is replaced by leucine, an amino acid with highly similar properties. This amino acid position is conserved. In addition, the in silico prediction for this alteration is inconclusive. Since supporting evidence is limited at this time, the clinical significance of this alteration remains unclear.

NM_199420.4(POLQ):c.1429A>T (p.Met477Leu)

Gene: POLQ (DNA polymerase theta; minus strand). Cytogenetic location: 3q13.33.
Variant type: single nucleotide variant.
Coding change: c.1429A>T on transcript NM_199420.4 (MANE Select); coding-DNA position 1429, A replaced by T.
Protein change: p.Met477Leu; replaces methionine 477 with leucine.
Molecular consequence: missense variant.
Genome position (GRCh38, 1-based): chr3:121,519,910, T>A on the plus strand (A>T on the coding strand, the complement: POLQ is on the minus strand). VCF-style: chr3-121519910-T-A. GRCh37 (hg19) VCF-style: chr3-121238757-T-A.
Other names: short protein forms M477L.
Identifiers: ClinVar variation 2560562 (VCV002560562.2), dbSNP rs1314116107, ClinGen allele CA354119033.